The following is an entry in ClinVar:

ClinVar aggregate classification (germline): Uncertain significance (1 of 4 stars; one submission).

Submission:

Women's Health and Genetics/Laboratory Corporation of America, LabCorp
Classification: Uncertain significance. Last evaluated: 2019-02-08. Review status: criteria provided, single submitter. Criteria: LabCorp Variant Classification Summary - May 2015. Collection method: clinical testing. Allele origin: germline.
Comment: Variant summary: ATP7B c.1247C>T (p.Ala416Val) results in a non-conservative amino acid change located in the Heavy metal-associated domain, copper ion-binding domain of the encoded protein sequence. Four of five in-silico tools predict a damaging effect of the variant on protein function. The variant was absent in 246136 control chromosomes (gnomAD). The available data on variant occurrences in the general population are insufficient to allow any conclusion about variant significance. To our knowledge, no occurrence of c.1247C>T in individuals affected with Wilson Disease and no experimental evidence demonstrating its impact on protein function have been reported. No clinical diagnostic laboratories have submitted clinical-significance assessments for this variant to ClinVar after 2014. Based on the evidence outlined above, the variant was classified as uncertain significance.

NM_000053.4(ATP7B):c.1247C>T (p.Ala416Val)

Gene: ATP7B (ATPase copper transporting beta; minus strand). Cytogenetic location: 13q14.3.
Variant type: single nucleotide variant.
Coding change: c.1247C>T on transcript NM_000053.4 (MANE Select); coding-DNA position 1247, C replaced by T.
Protein change: p.Ala416Val; replaces alanine 416 with valine.
Molecular consequence: missense variant.
Genome position (GRCh38, 1-based): chr13:51,973,973, G>A on the plus strand (C>T on the coding strand, the complement: ATP7B is on the minus strand). VCF-style: chr13-51973973-G-A. GRCh37 (hg19) VCF-style: chr13-52548109-G-A.
Other names: c.1247C>T, p.Ala416Val (NM_001005918.3, NM_001330578.2, NM_001330579.2); c.914C>T, p.Ala305Val (NM_001243182.2); short protein forms A305V, A416V.
Identifiers: ClinVar variation 928744 (VCV000928744.1), dbSNP rs1951971023, ClinGen allele CA388038145.
Genomic context (GRCh38, chr13:51,973,973, plus strand): 5'-ATGCCTCAAACACACTACGTACCAGAAACGACTGAAGCCTCAAATCCCATGTCTTCTATA[G>A]CAGCTCTGAGTTCTTCTGGGCTAATTACAGAGGGATTATAAAGAACTGTTGCAGTCCCTT-3'
Protein context (NP_000044.2, residues 406-426): SVISPEELRA[Ala416Val]IEDMGFEASV